The following is an entry in ClinVar:

ClinVar aggregate classification (germline): Conflicting classifications of pathogenicity. Review status: criteria provided, conflicting classifications (1 of 4 stars). 3 submissions from 3 submitters: Uncertain significance (2); Benign (1). Last evaluated 2025-06-27.

Conditions:
CHD7-related disorder. Also called: CHD7-related condition.
CHARGE syndrome (CHARGE). Also called: Hittner Hirsch Kreh syndrome; CHARGE ASSOCIATION--COLOBOMA, HEART ANOMALY, CHOANAL ATRESIA, RETARDATION, GENITAL AND EAR ANOMALIES; Coloboma, heart anomaly, choanal atresia, retardation, genital and ear anomalies; CHARGE association; Hall-Hittner syndrome. Identifiers: Orphanet 138, MedGen C0265354, MONDO:0008965.
Inborn genetic diseases. Identifiers: MedGen C0950123, MeSH D030342.

Allele frequency attached by ClinVar (database versions not stated): gnomAD exomes 0.00001.
gnomAD v4.1: 3 of 1,607,426 alleles (0.00019%); highest among the groups gnomAD compares: Middle Eastern, 0.033%; no homozygotes.

Submissions (3):

PreventionGenetics, part of Exact Sciences
Classification: Uncertain significance for CHD7-related condition. Last evaluated: 2025-06-27. Review status: criteria provided, single submitter. Criteria: ACMG Guidelines, 2015. Collection method: clinical testing. Allele origin: germline.
Comment: The CHD7 c.8320G>A variant is predicted to result in the amino acid substitution p.Gly2774Ser. To our knowledge, this variant has not been reported in the literature. This variant is reported in 0.0% of alleles in individuals of African descent in gnomAD. At this time, the clinical significance of this variant is uncertain due to the absence of conclusive functional and genetic evidence.

Ambry Genetics
Classification: Uncertain significance for Inborn genetic diseases. Last evaluated: 2024-10-20. Review status: criteria provided, single submitter. Criteria: Ambry Variant Classification Scheme 2023. Collection method: clinical testing. Allele origin: germline.

Labcorp Genetics (formerly Invitae), Labcorp
Classification: Benign for CHARGE syndrome. Last evaluated: 2022-09-29. Review status: criteria provided, single submitter. Criteria: Invitae Variant Classification Sherloc (09022015). Collection method: clinical testing. Allele origin: germline.

NM_017780.4(CHD7):c.8320G>A (p.Gly2774Ser)

Gene: CHD7 (chromodomain helicase DNA binding protein 7; plus strand). Cytogenetic location: 8q12.2.
Variant type: single nucleotide variant.
Coding change: c.8320G>A on transcript NM_017780.4 (MANE Select); coding-DNA position 8320, G replaced by A.
Protein change: p.Gly2774Ser; replaces glycine 2774 with serine.
Molecular consequence: missense variant.
Genome position (GRCh38, 1-based): chr8:60,865,259, G>A. VCF-style: chr8-60865259-G-A. GRCh37 (hg19) VCF-style: chr8-61777818-G-A.
Other names: c.8320G>A (NM_017780.3); c.2173G>A, p.Gly725Ser (NM_001316690.1); short protein forms G725S, G2774S.
Identifiers: ClinVar variation 1902877 (VCV001902877.7), dbSNP rs1437179253, ClinGen allele CA371308340.
Genomic context (GRCh38, chr8:60,865,259, plus strand): 5'-GACCTGACGAGCCTTCAGAATCTCCAGAATCTCCAGTCGCTCCAGCTGGCAGGCCTCATG[G>A]GCTTCCCTCCAGGACTGGCAACAGCTGCCACCGCCGGAGGCGATGCGAAGAACCCTGCTG-3'
Protein context (NP_060250.2, residues 2764-2784): LQSLQLAGLM[Gly2774Ser]FPPGLATAAT